The following is an entry in ClinVar:

NM_018671.5(UNC45A):c.1484G>T (p.Arg495Leu)

Gene: UNC45A (unc-45 myosin chaperone A; plus strand). Cytogenetic location: 15q26.1.
Variant type: single nucleotide variant.
Coding change: c.1484G>T on transcript NM_018671.5 (MANE Select); coding-DNA position 1484, G replaced by T.
Protein change: p.Arg495Leu; replaces arginine 495 with leucine.
Molecular consequence: missense variant.
Genome position (GRCh38, 1-based): chr15:90,946,898, G>T. VCF-style: chr15-90946898-G-T. GRCh37 (hg19) VCF-style: chr15-91490128-G-T.
Other names: c.1439G>T, p.Arg480Leu (NM_001039675.2, NM_001323621.2); c.1484G>T, p.Arg495Leu (NM_001323619.1); c.1049G>T, p.Arg350Leu (NM_001323620.2); short protein forms R480L, R350L, R495L.
Identifiers: ClinVar variation 2088827 (VCV002088827.4), dbSNP rs777566808, ClinGen allele CA393857077.

ClinVar aggregate classification (germline): Uncertain significance (1 of 4 stars; one submission).

gnomAD v4.1: 2 of 1,532,114 alleles (0.00013%); highest among the groups gnomAD compares: Middle Eastern, 0.018%; no homozygotes.

Submission:

Labcorp Genetics (formerly Invitae), Labcorp
Classification: Uncertain significance. Last evaluated: 2022-04-01. Review status: criteria provided, single submitter. Criteria: Invitae Variant Classification Sherloc (09022015). Collection method: clinical testing. Allele origin: germline.
Comment: In summary, the available evidence is currently insufficient to determine the role of this variant in disease. Therefore, it has been classified as a Variant of Uncertain Significance. Algorithms developed to predict the effect of missense changes on protein structure and function are either unavailable or do not agree on the potential impact of this missense change (SIFT: "Not Available"; PolyPhen-2: "Probably Damaging"; Align-GVGD: "Not Available"). This variant has not been reported in the literature in individuals affected with UNC45A-related conditions. This variant is not present in population databases (gnomAD no frequency). This sequence change replaces arginine, which is basic and polar, with leucine, which is neutral and non-polar, at codon 495 of the UNC45A protein (p.Arg495Leu).